The following is an entry in ClinVar:

ClinVar aggregate classification (germline): Uncertain significance. Review status: criteria provided, multiple submitters, no conflicts (2 of 4 stars). 3 submissions from 3 submitters: Uncertain significance (3). Last evaluated 2025-07-30.

Conditions:
Inborn genetic diseases. Identifiers: MedGen C0950123, MeSH D030342.
Palmoplantar keratoderma-esophageal carcinoma syndrome (TOC). Also called: KERATOSIS PALMARIS ET PLANTARIS WITH ESOPHAGEAL CANCER; Tylosis with Esophageal Cancer; PALMOPLANTAR KERATODERMA WITH ESOPHAGEAL CANCER. Identifiers: Orphanet 2198, MedGen C1835664, MONDO:0007856, OMIM 148500.

Allele frequency attached by ClinVar (database versions not stated): gnomAD 0.00002; TOPMed 0.00002; gnomAD exomes 0.00003; ExAC 0.00006.
gnomAD v4.1: 47 of 1,612,824 alleles (0.0029%); highest among the groups gnomAD compares: Non-Finnish European, 0.0037%; no homozygotes.

Submissions (3):

Labcorp Genetics (formerly Invitae), Labcorp
Classification: Uncertain significance. Last evaluated: 2025-07-30. Review status: criteria provided, single submitter. Criteria: Invitae Variant Classification Sherloc (09022015). Collection method: clinical testing. Allele origin: germline.
Comment: This sequence change replaces arginine, which is basic and polar, with cysteine, which is neutral and slightly polar, at codon 692 of the RHBDF2 protein (p.Arg692Cys). This variant is present in population databases (rs762095662, gnomAD 0.005%). This variant has not been reported in the literature in individuals affected with RHBDF2-related conditions. ClinVar contains an entry for this variant (Variation ID: 2485450). An algorithm developed to predict the effect of missense changes on protein structure and function (PolyPhen-2) suggests that this variant is likely to be disruptive. In summary, the available evidence is currently insufficient to determine the role of this variant in disease. Therefore, it has been classified as a Variant of Uncertain Significance.

Baylor Genetics
Classification: Uncertain significance for Palmoplantar keratoderma-esophageal carcinoma syndrome. Last evaluated: 2023-12-10. Review status: criteria provided, single submitter. Criteria: ACMG Guidelines, 2015. Collection method: clinical testing. Allele origin: unknown.

Ambry Genetics
Classification: Uncertain significance for Inborn genetic diseases. Last evaluated: 2023-02-15. Review status: criteria provided, single submitter. Criteria: Ambry Variant Classification Scheme 2023. Collection method: clinical testing. Allele origin: germline.

NM_001005498.4(RHBDF2):c.1987C>T (p.Arg663Cys)

Gene: RHBDF2 (rhomboid 5 homolog 2; minus strand). Cytogenetic location: 17q25.1.
Variant type: single nucleotide variant.
Coding change: c.1987C>T on transcript NM_001005498.4 (MANE Select); coding-DNA position 1987, C replaced by T.
Protein change: p.Arg663Cys; replaces arginine 663 with cysteine.
Molecular consequence: missense variant. On other transcripts: non-coding transcript variant (3).
Genome position (GRCh38, 1-based): chr17:76,472,763, G>A on the plus strand (C>T on the coding strand, the complement: RHBDF2 is on the minus strand). VCF-style: chr17-76472763-G-A. GRCh37 (hg19) VCF-style: chr17-74468845-G-A.
Other names: c.1987C>T, p.Arg663Cys (NM_001376228.1, NM_001376229.1, NM_001376230.1); c.2074C>T, p.Arg692Cys (NM_024599.5); short protein forms R663C, R692C.
Identifiers: ClinVar variation 2485450 (VCV002485450.6), dbSNP rs762095662, ClinGen allele CA8786787.